The following is an entry in ClinVar:

NM_014141.6(CNTNAP2):c.1582G>A (p.Asp528Asn)

Gene: CNTNAP2 (contactin associated protein 2; plus strand). Cytogenetic location: 7q35.
Variant type: single nucleotide variant.
Coding change: c.1582G>A on transcript NM_014141.6 (MANE Select); coding-DNA position 1582, G replaced by A.
Protein change: p.Asp528Asn; replaces aspartic acid 528 with asparagine.
Molecular consequence: missense variant.
Genome position (GRCh38, 1-based): chr7:147,395,692, G>A. VCF-style: chr7-147395692-G-A. GRCh37 (hg19) VCF-style: chr7-147092784-G-A.
Other names: c.1582G>A (NM_014141.5); short protein forms D528N.
Identifiers: ClinVar variation 1023896 (VCV001023896.9), dbSNP rs761732433, ClinGen allele CA4546113.

ClinVar aggregate classification (germline): Conflicting classifications of pathogenicity. Review status: criteria provided, conflicting classifications (1 of 4 stars). 2 submissions from 2 submitters: Uncertain significance (1); Likely benign (1). Last evaluated 2024-04-22.

Conditions:
Inborn genetic diseases. Identifiers: MedGen C0950123, MeSH D030342.
Cortical dysplasia-focal epilepsy syndrome (PTHSL1). Also called: Pitt-Hopkins-like syndrome 1. Identifiers: Orphanet 163681, Orphanet 221150, MedGen C2750246, MONDO:0012400, OMIM 610042.

Allele frequency attached by ClinVar (database versions not stated): gnomAD exomes 0.00001 and 0.00002; TOPMed 0.00001; ExAC 0.00003.
gnomAD v4.1: 16 of 1,612,414 alleles (0.00099%); highest among the groups gnomAD compares: African/African-American, 0.0013%; no homozygotes.

Submissions (2):

Ambry Genetics
Classification: Likely benign for Inborn genetic diseases. Last evaluated: 2024-04-22. Review status: criteria provided, single submitter. Criteria: Ambry Variant Classification Scheme 2023. Collection method: clinical testing. Allele origin: germline.

Labcorp Genetics (formerly Invitae), Labcorp
Classification: Uncertain significance for Cortical dysplasia-focal epilepsy syndrome. Last evaluated: 2023-08-04. Review status: criteria provided, single submitter. Criteria: Invitae Variant Classification Sherloc (09022015). Collection method: clinical testing. Allele origin: germline.
Comment: ClinVar contains an entry for this variant (Variation ID: 1023896). In summary, the available evidence is currently insufficient to determine the role of this variant in disease. Therefore, it has been classified as a Variant of Uncertain Significance. An algorithm developed to predict the effect of missense changes on protein structure and function (PolyPhen-2) suggests that this variant¬†is likely to be tolerated. This variant has not been reported in the literature in individuals affected with CNTNAP2-related conditions. This variant is present in population databases (rs761732433, gnomAD 0.004%). This sequence change replaces aspartic acid, which is acidic and polar, with asparagine, which is neutral and polar, at codon 528 of the CNTNAP2 protein (p.Asp528Asn).